The following is an entry in ClinVar:

NM_001290060.2(SEMA3B):c.665-7C>T

Genes: MIR6872 (microRNA 6872; plus strand), SEMA3B (semaphorin 3B; plus strand), LOC129936787 (ATAC-STARR-seq lymphoblastoid active region 19897; plus strand). Cytogenetic location: 3p21.31.
Variant type: single nucleotide variant.
Coding change: c.665-7C>T on transcript NM_001290060.2 (MANE Select); 7 bases into the intron before coding-DNA position 665, C replaced by T.
Molecular consequence: intron variant. On other transcripts: non-coding transcript variant (2), 5 prime UTR variant (2).
Genome position (GRCh38, 1-based): chr3:50,273,291, C>T. VCF-style: chr3-50273291-C-T. GRCh37 (hg19) VCF-style: chr3-50310722-C-T.
Other names: c.-369C>T (NM_001290062.2); c.-243C>T (NM_001290063.2); c.665-7C>T (NM_004636.4, NM_001005914.3, NM_001290061.1).
Identifiers: ClinVar variation 3354073 (VCV003354073.1).

ClinVar aggregate classification (germline): Likely benign (0 of 4 stars; one submission).

Conditions:
SEMA3B-related disorder. Also called: SEMA3B-related condition.

gnomAD v4.1: 76 of 1,612,164 alleles (0.0047%); highest among the groups gnomAD compares: Non-Finnish European, 0.0056%; no homozygotes.

Submission:

PreventionGenetics, part of Exact Sciences
Classification: Likely benign for SEMA3B-related condition. Last evaluated: 2023-09-08. Review status: no assertion criteria provided. Collection method: clinical testing. Allele origin: germline.
Comment: This variant is classified as likely benign based on ACMG/AMP sequence variant interpretation guidelines (Richards et al. 2015 PMID: 25741868, with internal and published modifications).